The following is an entry in ClinVar:

ClinVar aggregate classification (germline): Uncertain significance (1 of 4 stars; one submission).

Submission:

Women's Health and Genetics/Laboratory Corporation of America, LabCorp
Classification: Uncertain significance. Last evaluated: 2025-01-31. Review status: criteria provided, single submitter. Criteria: LabCorp Variant Classification Summary - May 2015. Collection method: clinical testing. Allele origin: germline.
Comment: Variant summary: ZSWIM6 c.572T>G (p.Val191Gly) results in a non-conservative amino acid change in the encoded protein sequence. Three of five in-silico tools predict a benign effect of the variant on protein function. The variant was absent in 37804 control chromosomes. The available data on variant occurrences in the general population are insufficient to allow any conclusion about variant significance. To our knowledge, no occurrence of c.572T>G in individuals affected with ZSWIM6-Related Disorders and no experimental evidence demonstrating its impact on protein function have been reported. No submitters have cited clinical-significance assessments for this variant to ClinVar. Based on the evidence outlined above, the variant was classified as uncertain significance.

NM_020928.2(ZSWIM6):c.572T>G (p.Val191Gly)

Gene: ZSWIM6 (zinc finger SWIM-type containing 6; plus strand). Cytogenetic location: 5q12.1.
Variant type: single nucleotide variant.
Coding change: c.572T>G on transcript NM_020928.2 (MANE Select); coding-DNA position 572, T replaced by G.
Protein change: p.Val191Gly; replaces valine 191 with glycine.
Molecular consequence: missense variant.
Genome position (GRCh38, 1-based): chr5:61,332,844, T>G. VCF-style: chr5-61332844-T-G. GRCh37 (hg19) VCF-style: chr5-60628671-T-G.
Other names: short protein forms V191G.
Identifiers: ClinVar variation 3769187 (VCV003769187.2).